The following is an entry in ClinVar:

NM_007294.4(BRCA1):c.4495del (p.Ser1499fs)

Gene: BRCA1 (BRCA1 DNA repair associated; minus strand). Cytogenetic location: 17q21.31.
Variant type: Deletion.
Coding change: c.4495del on transcript NM_007294.4 (MANE Select); coding-DNA position 4495, one base deleted (T; older notation c.4495delT).
Protein change: p.Ser1499fs; shifts the reading frame from serine 1499.
Molecular consequence: frameshift variant. On other transcripts: intron variant (3).
Genome position (GRCh38, 1-based): chr17:43,074,511, A deleted on the plus strand (T on the coding strand, the reverse complement: BRCA1 is on the minus strand); the first of 2 consecutive A bases (chr17:43,074,511-43,074,512); deleting either gives the same sequence. VCF-style (leftmost placement, unchanged base first): chr17-43074510-GA-G. GRCh37 (hg19) VCF-style: chr17-41226527-GA-G.
Other names: c.4558del, p.Ser1520fs (NM_001407583.1, NM_001407585.1, NM_001407587.1 and 1 more transcripts); c.4555del, p.Ser1519fs (NM_001407590.1, NM_001407591.1); c.4495del, p.Ser1499fs (NM_001407593.1, NM_001407594.1, NM_001407596.1 and 8 more transcripts); c.4354del, p.Ser1452fs (NM_007297.4, NM_001407731.1, NM_001407942.1 and 13 more transcripts); c.1183del, p.Ser395fs (NM_007298.4, NM_007299.4, NM_001407985.1 and 12 more transcripts); c.836-3273del (NM_001408513.1); c.4214-3273del (NM_001407964.1); c.838+7893del (NM_001408514.1); and 71 more; short protein forms S1202fs, S1203fs, S1330fs, S1370fs, S1371fs, S1372fs, S1386fs, S1387fs.
Identifiers: ClinVar variation 4690250 (VCV004690250.1).

ClinVar aggregate classification (germline): Likely pathogenic (1 of 4 stars; one submission).

Conditions:
Breast-ovarian cancer, familial, susceptibility to, 1 (BROVCA1). Also called: OVARIAN CANCER, SUSCEPTIBILITY TO; BRCA1 Hereditary Breast and Ovarian Cancer. Identifiers: Orphanet 145, MedGen C2676676, MONDO:0011450, OMIM 604370. Disease mechanism: loss of function.

Submission:

EVOGEN
Classification: Likely pathogenic for Breast-ovarian cancer, familial, susceptibility to, 1. Last evaluated: 2025-06-02. Review status: criteria provided, single submitter. Criteria: ACMG Guidelines, 2015. Collection method: clinical testing. Allele origin: germline. Affected: yes.
Comment: Cystadenocarcinoma. PVS1: Null variant (frame-shift) in gene BRCA1, predicted to cause NMD. Loss-of-function is a known mechanism of disease (gene has 3 888 reported pathogenic LOF variants). The exon affects 1 functional domain: UniProt protein BRCA1_HUMAN region of interest 'Disordered'. The exon contains 119 pathogenic variants. The truncated region contains 1 054 pathogenic variants. PM2: Variant not found in gnomAD genomes, good gnomAD genomes coverage = 30.6. Variant not found in gnomAD exomes, good gnomAD exomes coverage = 30.5.